The following is an entry in ClinVar:

NM_003072.5(SMARCA4):c.413G>A (p.Gly138Asp)

Gene: SMARCA4 (SWI/SNF related BAF chromatin remodeling complex subunit ATPase 4; plus strand). Cytogenetic location: 19p13.2.
Variant type: single nucleotide variant.
Coding change: c.413G>A on transcript NM_003072.5 (MANE Select); coding-DNA position 413, G replaced by A.
Protein change: p.Gly138Asp; replaces glycine 138 with aspartic acid.
Molecular consequence: missense variant. On other transcripts: non-coding transcript variant (1).
Genome position (GRCh38, 1-based): chr19:10,986,246, G>A. VCF-style: chr19-10986246-G-A. GRCh37 (hg19) VCF-style: chr19-11096922-G-A.
Other names: c.413G>A, p.Gly138Asp (NM_001128844.3, NM_001128845.2, NM_001128846.2 and 6 more transcripts); c.413G>A (NM_001128849.1); short protein forms G138D.
Identifiers: ClinVar variation 2143176 (VCV002143176.6), dbSNP rs11537672, ClinGen allele CA404055862.

ClinVar aggregate classification (germline): Uncertain significance. Review status: criteria provided, multiple submitters, no conflicts (2 of 4 stars). 2 submissions from 2 submitters: Uncertain significance (2). Last evaluated 2024-09-02.

Conditions:
Hereditary cancer-predisposing syndrome. Also called: Neoplastic Syndromes, Hereditary; Tumor predisposition; Hereditary neoplastic syndrome; Hereditary Cancer Syndrome. Identifiers: Orphanet 140162, MedGen C0027672, MeSH D009386, MONDO:0015356.
Rhabdoid tumor predisposition syndrome 2 (RTPS2). Identifiers: Orphanet 231108, Orphanet 69077, MedGen C2750074, MONDO:0013224, OMIM 613325.

Allele frequency attached by ClinVar (database versions not stated): gnomAD exomes below 0.00001.
gnomAD v4.1: 2 of 1,613,944 alleles (0.00012%); highest among the groups gnomAD compares: Non-Finnish European, 0.00017%; no homozygotes.

Submissions (2):

Labcorp Genetics (formerly Invitae), Labcorp
Classification: Uncertain significance for Rhabdoid tumor predisposition syndrome 2. Last evaluated: 2024-09-02. Review status: criteria provided, single submitter. Criteria: Invitae Variant Classification Sherloc (09022015). Collection method: clinical testing. Allele origin: germline.
Comment: This sequence change replaces glycine, which is neutral and non-polar, with aspartic acid, which is acidic and polar, at codon 138 of the SMARCA4 protein (p.Gly138Asp). This variant is not present in population databases (gnomAD no frequency). This variant has not been reported in the literature in individuals affected with SMARCA4-related conditions. ClinVar contains an entry for this variant (Variation ID: 2143176). Invitae Evidence Modeling of protein sequence and biophysical properties (such as structural, functional, and spatial information, amino acid conservation, physicochemical variation, residue mobility, and thermodynamic stability) has been performed for this missense variant. However, the output from this modeling did not meet the statistical confidence thresholds required to predict the impact of this variant on SMARCA4 protein function. In summary, the available evidence is currently insufficient to determine the role of this variant in disease. Therefore, it has been classified as a Variant of Uncertain Significance.

Ambry Genetics
Classification: Uncertain significance for Hereditary cancer-predisposing syndrome. Last evaluated: 2023-08-08. Review status: criteria provided, single submitter. Criteria: Ambry Variant Classification Scheme 2023. Collection method: clinical testing. Allele origin: germline.
Comment: The p.G138D variant (also known as c.413G>A), located in coding exon 3 of the SMARCA4 gene, results from a G to A substitution at nucleotide position 413. The glycine at codon 138 is replaced by aspartic acid, an amino acid with similar properties. This amino acid position is highly conserved in available vertebrate species. In addition, this alteration is predicted to be deleterious by in silico analysis. Since supporting evidence is limited at this time, the clinical significance of this alteration remains unclear.